The following is an entry in ClinVar:

NM_025132.4(WDR19):c.383C>T (p.Thr128Ile)

Gene: WDR19 (WD repeat domain 19; plus strand). Cytogenetic location: 4p14.
Variant type: single nucleotide variant.
Coding change: c.383C>T on transcript NM_025132.4 (MANE Select); coding-DNA position 383, C replaced by T.
Protein change: p.Thr128Ile; replaces threonine 128 with isoleucine.
Molecular consequence: missense variant. On other transcripts: intron variant (1).
Genome position (GRCh38, 1-based): chr4:39,194,636, C>T. VCF-style: chr4-39194636-C-T. GRCh37 (hg19) VCF-style: chr4-39196256-C-T.
Other names: c.-74-4842C>T (NM_001317924.2); short protein forms T128I.
Identifiers: ClinVar variation 4880934 (VCV004880934.2).
Genomic context (GRCh38, chr4:39,194,636, plus strand): 5'-TTGGAAGTTTCCTGGCTGTTGGAACTGTTAAAGGAAATTTGCTTATTTATAATCATCAGA[C>T]ATCTCGAAAGATTCCTGTCCTTGGTAGGTGATAGCTGGAAACACTGCTAAATATTTGAGA-3'
Protein context (NP_079408.3, residues 118-138): KGNLLIYNHQ[Thr128Ile]SRKIPVLGKH

ClinVar aggregate classification (germline): Uncertain significance (1 of 4 stars; one submission).

Submission:

Dasa
Classification: Uncertain significance. Last evaluated: 2024-03-01. Review status: criteria provided, single submitter. Criteria: DASA Assertion Criteria. Collection method: clinical testing. Allele origin: germline.
Comment: NM_025132.4(WDR19):c.383C>T (p.Thr128Ile) is a missense variant that results in the substitution of threonine with isoleucine. This variant is absent from population databases. Computational prediction algorithms are consistent with a benign effect. The currently available literature and clinical evidence are not sufficient to establish a definitive association between this variant and the reported condition. Therefore, this variant is classified as a variant of uncertain significance.